The following is an entry in ClinVar:

ClinVar aggregate classification (germline): Pathogenic (1 of 4 stars; one submission).

Conditions:
Ehlers-Danlos syndrome, dermatosparaxis type. Also called: EDS VIIC; Dermatosparaxis; Ehlers-Danlos syndrome, type VII, autosomal recessive. Identifiers: Orphanet 1901, MedGen C2700425, MONDO:0009161, OMIM 225410.

Submission:

Myriad Genetics, Inc.
Classification: Pathogenic for Ehlers-Danlos syndrome, dermatosparaxis type. Last evaluated: 2024-05-14. Review status: criteria provided, single submitter. Criteria: Myriad Autosomal Dominant, Autosomal Recessive and X-Linked Classification Criteria (2023). Collection method: clinical testing. Allele origin: unknown.
Comment: NM_014244.4(ADAMTS2):c.41_42ins13(L16Afs*54) is expected to be pathogenic in the context of Ehlers-Danlos syndrome, ADAMTS2-related. This variant is predicted to lead to an abnormal or absent protein product due to the creation of a premature termination codon in ADAMTS2, a gene where loss-of-function variants are known to be pathogenic. Please note: this variant was assessed in the context of healthy population screening.

NM_014244.5(ADAMTS2):c.41_42insAGCAGCACGACGA (p.Leu16fs)

Gene: ADAMTS2 (ADAM metallopeptidase with thrombospondin type 1 motif 2; minus strand). Cytogenetic location: 5q35.3.
Variant type: Insertion.
Coding change: c.41_42insAGCAGCACGACGA on transcript NM_014244.5 (MANE Select); coding-DNA positions 41 to 42, AGCAGCACGACGA inserted.
Protein change: p.Leu16fs; shifts the reading frame from leucine 16.
Molecular consequence: frameshift variant.
Genome position: GRCh38 VCF-style: chr5-179345287-G-GTCGTCGTGCTGCT. GRCh37 (hg19) VCF-style: chr5-178772288-G-GTCGTCGTGCTGCT.
Other names: c.41_42insAGCAGCACGACGA, p.Leu16fs (NM_021599.4); short protein forms L16fs.
Identifiers: ClinVar variation 5010818 (VCV005010818.1).
Genomic context (GRCh38, chr5:179,345,287, plus strand): 5'-GGGCGGCGGCGGCGGCGGCAGGAGCGGCGGCGGCAGCAGCAGCAGCAGCAGCAGCAGCGC[G>GTCGTCGTGCTGCT]GGGCAGAGCAGGCGGCGAGCGGCTCCCGCCGGCGGATCCATGGCAGCCGGACTGCAGCCG-3'